The following is an entry in ClinVar:

ClinVar aggregate classification (germline): Uncertain significance. Review status: criteria provided, multiple submitters, no conflicts (2 of 4 stars). 2 submissions from 2 submitters: Uncertain significance (2). Last evaluated 2022-06-10.

Conditions:
Cardiovascular phenotype. Identifiers: MedGen CN230736.
Alstrom syndrome (ALMS). Identifiers: Orphanet 64, MedGen C0268425, MONDO:0008763, OMIM 203800.

Allele frequency attached by ClinVar (database versions not stated): TOPMed below 0.00001; gnomAD 0.00001; ExAC 0.00002.
gnomAD v4.1: 2 of 1,614,054 alleles (0.00012%); highest among the groups gnomAD compares: East Asian, 0.0022%; no homozygotes.

Submissions (2):

Labcorp Genetics (formerly Invitae), Labcorp
Classification: Uncertain significance for Alstrom syndrome. Last evaluated: 2022-06-10. Review status: criteria provided, single submitter. Criteria: Invitae Variant Classification Sherloc (09022015). Collection method: clinical testing. Allele origin: germline.
Comment: This sequence change replaces methionine, which is neutral and non-polar, with valine, which is neutral and non-polar, at codon 3080 of the ALMS1 protein (p.Met3080Val). This variant is present in population databases (rs767356931, gnomAD 0.006%). This variant has not been reported in the literature in individuals affected with ALMS1-related conditions. Experimental studies and prediction algorithms are not available or were not evaluated, and the functional significance of this variant is currently unknown. In summary, the available evidence is currently insufficient to determine the role of this variant in disease. Therefore, it has been classified as a Variant of Uncertain Significance.

Ambry Genetics
Classification: Uncertain significance for Cardiovascular phenotype. Last evaluated: 2021-05-17. Review status: criteria provided, single submitter. Criteria: Ambry Variant Classification Scheme 2023. Collection method: clinical testing. Allele origin: germline.
Comment: The p.M3080V variant (also known as c.9238A>G), located in coding exon 10 of the ALMS1 gene, results from an A to G substitution at nucleotide position 9238. The methionine at codon 3080 is replaced by valine, an amino acid with highly similar properties. This amino acid position is not well conserved in available vertebrate species. In addition, this alteration is predicted to be tolerated by in silico analysis. Since supporting evidence is limited at this time, the clinical significance of this alteration remains unclear.

NM_001378454.1(ALMS1):c.9235A>G (p.Met3079Val)

Gene: ALMS1 (ALMS1 centrosome and basal body associated protein; plus strand). Cytogenetic location: 2p13.1.
Variant type: single nucleotide variant.
Coding change: c.9235A>G on transcript NM_001378454.1 (MANE Select); coding-DNA position 9235, A replaced by G.
Protein change: p.Met3079Val; replaces methionine 3079 with valine.
Molecular consequence: missense variant.
Genome position (GRCh38, 1-based): chr2:73,491,194, A>G. VCF-style: chr2-73491194-A-G. GRCh37 (hg19) VCF-style: chr2-73718321-A-G.
Other names: c.9238A>G, p.Met3080Val (NM_015120.4); short protein forms M3079V, M3080V.
Identifiers: ClinVar variation 1766277 (VCV001766277.4), dbSNP rs767356931, ClinGen allele CA1714624.